The following is an entry in ClinVar:

NM_031418.4(ANO3):c.2095A>T (p.Met699Leu)

Gene: ANO3 (anoctamin 3; plus strand). Cytogenetic location: 11p14.2.
Variant type: single nucleotide variant.
Coding change: c.2095A>T on transcript NM_031418.4 (MANE Select); coding-DNA position 2095, A replaced by T.
Protein change: p.Met699Leu; replaces methionine 699 with leucine.
Molecular consequence: missense variant.
Genome position (GRCh38, 1-based): chr11:26,639,195, A>T. VCF-style: chr11-26639195-A-T. GRCh37 (hg19) VCF-style: chr11-26660742-A-T.
Other names: c.2278A>T, p.Met760Leu (NM_001313726.2); c.1657A>T, p.Met553Leu (NM_001313727.2); short protein forms M553L, M699L, M760L.
Identifiers: ClinVar variation 2703887 (VCV002703887.3), dbSNP rs2538999451, ClinGen allele CA379935954.

ClinVar aggregate classification (germline): Uncertain significance (1 of 4 stars; one submission).

Conditions:
Dystonic disorder. Also called: Dystonia. Identifiers: MedGen C0013421, MONDO:0003441, HP:0001332.

Submission:

Labcorp Genetics (formerly Invitae), Labcorp
Classification: Uncertain significance for Dystonic disorder. Last evaluated: 2023-12-18. Review status: criteria provided, single submitter. Criteria: Invitae Variant Classification Sherloc (09022015). Collection method: clinical testing. Allele origin: germline.
Comment: This sequence change replaces methionine, which is neutral and non-polar, with leucine, which is neutral and non-polar, at codon 699 of the ANO3 protein (p.Met699Leu). This variant is not present in population databases (gnomAD no frequency). This variant has not been reported in the literature in individuals affected with ANO3-related conditions. Advanced modeling of protein sequence and biophysical properties (such as structural, functional, and spatial information, amino acid conservation, physicochemical variation, residue mobility, and thermodynamic stability) performed at Invitae indicates that this missense variant is not expected to disrupt ANO3 protein function with a negative predictive value of 80%. In summary, the available evidence is currently insufficient to determine the role of this variant in disease. Therefore, it has been classified as a Variant of Uncertain Significance.